The following is an entry in ClinVar:

ClinVar aggregate classification (germline): Benign/Likely benign. Review status: criteria provided, multiple submitters, no conflicts (2 of 4 stars). 12 submissions from 11 submitters: Benign (8); Likely benign (1). 3 of the submissions do not count toward it. Last evaluated 2026-02-04.

Conditions:
Gorlin syndrome. Also called: Nevoid Basal Cell Carcinoma Syndrome; Basal cell nevus syndrome. Identifiers: Orphanet 377, MedGen C0004779, MONDO:0007187.
Medulloblastoma (MDB). Also called: MEDULLOBLASTOMA PREDISPOSITION SYNDROME; Medulloblastoma, somatic. Identifiers: Orphanet 616, MedGen C0025149, MeSH D008527, MONDO:0007959, OMIM 155255, HP:0002885.
Familial meningioma. Also called: Meningioma, familial, susceptibility to. Identifiers: Orphanet 263662, MedGen C3551915, MONDO:0011789, OMIM 607174.
Joubert syndrome 32 (JBTS32). Identifiers: MedGen C4540342, MONDO:0033309, OMIM 617757.

Allele frequency attached by ClinVar (database versions not stated): gnomAD exomes 0.65049 and 0.65868; ExAC 0.66275; ESP Exome Variant Server 0.68115; gnomAD 0.68248 and 0.68304; TOPMed 0.68515; 1000 Genomes Project 30x 0.71705; 1000 Genomes Project 0.71965.
gnomAD v4.1: 1,053,372 of 1,609,952 alleles (65%); highest among the groups gnomAD compares: African/African-American, 76%; 346,385 homozygotes.

Submissions (12):

Labcorp Genetics (formerly Invitae), Labcorp
Classification: Benign for Gorlin syndrome; Medulloblastoma. Last evaluated: 2026-02-04. Review status: criteria provided, single submitter. Criteria: Invitae Variant Classification Sherloc (09022015). Collection method: clinical testing. Allele origin: germline.

Blueprint Genetics
Classification: Likely benign. Last evaluated: 2024-11-27. Review status: criteria provided, single submitter. Criteria: ACMG Guidelines, 2015. Collection method: clinical testing. Allele origin: germline.

KCCC/NGS Laboratory, Kuwait Cancer Control Center
Classification: Benign for Familial meningioma. Last evaluated: 2023-07-07. Review status: criteria provided, single submitter. Criteria: ACMG Guidelines, 2015. Collection method: clinical testing. Allele origin: germline. Affected: yes.

Genome-Nilou Lab
Classification: Benign for Basal cell nevus syndrome 1. Last evaluated: 2021-07-15. Review status: criteria provided, single submitter. Criteria: ACMG Guidelines, 2015. Collection method: clinical testing. Allele origin: germline. Affected: no.

Genome-Nilou Lab
Classification: Benign for Joubert syndrome 32. Last evaluated: 2021-07-15. Review status: criteria provided, single submitter. Criteria: ACMG Guidelines, 2015. Collection method: clinical testing. Allele origin: germline. Affected: no.

Women's Health and Genetics/Laboratory Corporation of America, LabCorp
Classification: Benign. Last evaluated: 2016-05-26. Review status: criteria provided, single submitter. Criteria: LabCorp Variant Classification Summary - May 2015. Collection method: clinical testing. Allele origin: germline.
Comment: Variant summary: The SUFU c.1365+19T>C variant involves the alteration of a non-conserved intronic nucleotide. Mutation taster predicts the variant to be neutral along with 5/5 splice prediction tools predict no significant impact on normal splicing. This variant was found in 80437/121368 control chromosomes (including 26892 homozygotes) at a frequency of 0.6627529, indicating the variant to be the ancestral allele and a common benign polymorphism. Taken together, this variant is classified as Benign.

GeneDx
Classification: Benign. Last evaluated: 2015-03-03. Review status: criteria provided, single submitter. Criteria: GeneDx Variant Classification Process June 2021. Collection method: clinical testing. Allele origin: germline. Affected: yes.

Breakthrough Genomics
Classification: Benign. Review status: criteria provided, single submitter. Criteria: ACMG Guidelines, 2015. Collection method: not provided. Allele origin: germline. Inheritance: Autosomal recessive inheritance. Affected: yes.

PreventionGenetics, part of Exact Sciences
Classification: Benign. Review status: criteria provided, single submitter. Criteria: ACMG Guidelines, 2015. Collection method: clinical testing. Allele origin: germline.

Clinical Genetics DNA and cytogenetics Diagnostics Lab, Erasmus MC, Erasmus Medical Center
Classification: Benign. Review status: no assertion criteria provided. Collection method: clinical testing. Allele origin: germline. Affected: yes. Study: VKGL Data-share Consensus. Not counted in ClinVar's aggregate classification.

Diagnostic Laboratory, Department of Genetics, University Medical Center Groningen
Classification: Benign. Review status: no assertion criteria provided. Collection method: clinical testing. Allele origin: germline. Affected: yes. Study: VKGL Data-share Consensus. Not counted in ClinVar's aggregate classification.

Joint Genome Diagnostic Labs from Nijmegen and Maastricht, Radboudumc and MUMC+
Classification: Benign. Review status: no assertion criteria provided. Collection method: clinical testing. Allele origin: germline. Affected: yes. Study: VKGL Data-share Consensus. Not counted in ClinVar's aggregate classification.

NM_016169.4(SUFU):c.1365+19T>C

Gene: SUFU (SUFU negative regulator of hedgehog signaling; plus strand). Cytogenetic location: 10q24.32.
Variant type: single nucleotide variant.
Coding change: c.1365+19T>C on transcript NM_016169.4 (MANE Select); 19 bases into the intron after coding-DNA position 1365, T replaced by C.
Molecular consequence: intron variant.
Genome position (GRCh38, 1-based): chr10:102,627,262, T>C. VCF-style: chr10-102627262-T-C. GRCh37 (hg19) VCF-style: chr10-104387019-T-C.
Identifiers: ClinVar variation 260688 (VCV000260688.22), dbSNP rs12414407, ClinGen allele CA5667986.